The following is an entry in ClinVar:

NM_002101.5(GYPC):c.124T>A (p.Ser42Thr)

Gene: GYPC (glycophorin C (Gerbich blood group); plus strand). Cytogenetic location: 2q14.3.
Variant type: single nucleotide variant.
Coding change: c.124T>A on transcript NM_002101.5 (MANE Select); coding-DNA position 124, T replaced by A.
Protein change: p.Ser42Thr; replaces serine 42 with threonine.
Molecular consequence: missense variant.
Genome position (GRCh38, 1-based): chr2:126,693,881, T>A. VCF-style: chr2-126693881-T-A. GRCh37 (hg19) VCF-style: chr2-127451457-T-A.
Other names: p.Ser42Thr; c.61T>A, p.Ser21Thr (NM_001256584.2); c.67T>A, p.Ser23Thr (NM_016815.4); short protein forms S23T, S21T, S42T.
Identifiers: ClinVar variation 4540661 (VCV004540661.1).

ClinVar aggregate classification (germline): Uncertain significance (1 of 4 stars; one submission).

Submission:

Mayo Clinic Laboratories, Mayo Clinic
Classification: Uncertain significance. Last evaluated: 2024-09-24. Review status: criteria provided, single submitter. Criteria: ACMG Guidelines, 2015. Collection method: clinical testing. Allele origin: germline. Observed: 1 variant allele.
Comment: BP4, PM2_supporting